The following is an entry in ClinVar:

NM_033026.6(PCLO):c.4724A>G (p.Asp1575Gly)

Gene: PCLO (piccolo presynaptic cytomatrix protein; minus strand). Cytogenetic location: 7q21.11.
Variant type: single nucleotide variant.
Coding change: c.4724A>G on transcript NM_033026.6 (MANE Select); coding-DNA position 4724, A replaced by G.
Protein change: p.Asp1575Gly; replaces aspartic acid 1575 with glycine.
Molecular consequence: missense variant.
Genome position (GRCh38, 1-based): chr7:82,956,229, T>C on the plus strand (A>G on the coding strand, the complement: PCLO is on the minus strand). VCF-style: chr7-82956229-T-C. GRCh37 (hg19) VCF-style: chr7-82585545-T-C.
Other names: c.4724A>G, p.Asp1575Gly (NM_014510.3); short protein forms D1575G.
Identifiers: ClinVar variation 1468293 (VCV001468293.6), dbSNP rs755478712, ClinGen allele CA4320773.
Genomic context (GRCh38, chr7:82,956,229, plus strand): 5'-TCCTTCTTCTGGCTCTCAGTACTGCTACTAATCTCTTTGAGCTGGTTTCTGATGAACTCA[T>C]CATCTTCAGAACCTGAAGCATCTTCATCAGCACTCATTTCTATGATTTGTTTTCGAATGA-3'
Protein context (NP_149015.2, residues 1565-1585): ADEDASGSED[Asp1575Gly]EFIRNQLKEI

ClinVar aggregate classification (germline): Uncertain significance (1 of 4 stars; one submission).

Allele frequency attached by ClinVar (database versions not stated): TOPMed below 0.00001; ExAC 0.00001; gnomAD 0.00001; gnomAD exomes 0.00001.
gnomAD v4.1: 5 of 1,611,012 alleles (0.00031%); highest among the groups gnomAD compares: Admixed American, 0.0083%; no homozygotes.

Submission:

Labcorp Genetics (formerly Invitae), Labcorp
Classification: Uncertain significance. Last evaluated: 2022-06-29. Review status: criteria provided, single submitter. Criteria: Invitae Variant Classification Sherloc (09022015). Collection method: clinical testing. Allele origin: germline.
Comment: This variant is present in population databases (rs755478712, gnomAD 0.009%). This sequence change replaces aspartic acid, which is acidic and polar, with glycine, which is neutral and non-polar, at codon 1575 of the PCLO protein (p.Asp1575Gly). This variant has not been reported in the literature in individuals affected with PCLO-related conditions. In summary, the available evidence is currently insufficient to determine the role of this variant in disease. Therefore, it has been classified as a Variant of Uncertain Significance. Algorithms developed to predict the effect of sequence changes on RNA splicing suggest that this variant may create or strengthen a splice site. Algorithms developed to predict the effect of missense changes on protein structure and function are either unavailable or do not agree on the potential impact of this missense change (SIFT: "Deleterious"; PolyPhen-2: "Not Available"; Align-GVGD: "Class C0").